The following is an entry in ClinVar:

NM_182972.3(IRF2BP2):c.641_642delinsTT (p.Ala214Val)

Genes: IRF2BP2 (interferon regulatory factor 2 binding protein 2; minus strand), LOC129932811 (ATAC-STARR-seq lymphoblastoid silent region 1976; plus strand). Cytogenetic location: 1q42.3.
Variant type: Indel.
Coding change: c.641_642delinsTT on transcript NM_182972.3 (MANE Select); coding-DNA positions 641 to 642, CC replaced by TT.
Protein change: p.Ala214Val; replaces alanine 214 with valine.
Molecular consequence: missense variant.
Genome position (GRCh38, 1-based): chr1:234,608,853-234,608,854, GG replaced by AA on the plus strand (CC replaced by TT on the coding strand, the reverse complement: IRF2BP2 is on the minus strand). VCF-style: chr1-234608853-GG-AA. GRCh37 (hg19) VCF-style: chr1-234744599-GG-AA.
Other names: c.641_642delinsTT, p.Ala214Val (NM_001077397.1); short protein forms A214V.
Identifiers: ClinVar variation 4736314 (VCV004736314.1).

ClinVar aggregate classification (germline): Uncertain significance (1 of 4 stars; one submission).

Submission:

Labcorp Genetics (formerly Invitae), Labcorp
Classification: Uncertain significance. Last evaluated: 2026-01-27. Review status: criteria provided, single submitter. Criteria: Invitae Variant Classification Sherloc (09022015). Collection method: clinical testing. Allele origin: germline.
Comment: This sequence change replaces alanine, which is neutral and non-polar, with valine, which is neutral and non-polar, at codon 214 of the IRF2BP2 protein (p.Ala214Val). Information on the frequency of this variant in the gnomAD database is not available, as this variant may be reported differently in the database. This variant has not been reported in the literature in individuals affected with IRF2BP2-related conditions. An algorithm developed to predict the effect of missense changes on protein structure and function (PolyPhen-2) suggests that this variant is likely to be disruptive. In summary, the available evidence is currently insufficient to determine the role of this variant in disease. Therefore, it has been classified as a Variant of Uncertain Significance.